The following is an entry in ClinVar:

ClinVar aggregate classification (germline): Pathogenic (1 of 4 stars; one submission).

Submission:

Labcorp Genetics (formerly Invitae), Labcorp
Classification: Pathogenic. Last evaluated: 2024-06-10. Review status: criteria provided, single submitter. Criteria: Invitae Variant Classification Sherloc (09022015). Collection method: clinical testing. Allele origin: germline.
Comment: This sequence change creates a premature translational stop signal (p.Pro440Leufs*3) in the CHM gene. It is expected to result in an absent or disrupted protein product. Loss-of-function variants in CHM are known to be pathogenic (PMID: 9067750, 23811034). This variant is not present in population databases (gnomAD no frequency). This variant has not been reported in the literature in individuals affected with CHM-related conditions. For these reasons, this variant has been classified as Pathogenic.

Literature cited by the submitters: PubMed 9067750; PubMed 23811034.

NM_000390.4(CHM):c.1315_1318dup (p.Pro440fs)

Gene: CHM (CHM Rab escort protein; minus strand). Cytogenetic location: Xq21.2.
Variant type: Duplication.
Coding change: c.1315_1318dup on transcript NM_000390.4 (MANE Select); coding-DNA positions 1315 to 1318, 4 bases duplicated (TTTC; older notation c.1315_1318dupTTTC).
Protein change: p.Pro440fs; shifts the reading frame from proline 440.
Molecular consequence: frameshift variant.
Genome position (GRCh38, 1-based): chrX:85,901,115-85,901,118, GAAA duplicated on the plus strand (TTTC on the coding strand, the reverse complement: CHM is on the minus strand); duplicating any 4 consecutive bases within chrX:85,901,115-85,901,119 gives the same sequence; the c. name uses the placement nearest the transcript's 3' end. VCF-style (leftmost placement, unchanged base first): chrX-85901114-G-GGAAA. GRCh37 (hg19) VCF-style: chrX-85156119-G-GGAAA.
Other names: c.871_874dup, p.Pro292fs (NM_001320959.1, NM_001362517.1, NM_001362518.2 and 1 more transcripts); short protein forms P292fs, P440fs.
Identifiers: ClinVar variation 3655711 (VCV003655711.2).